The following is an entry in ClinVar:

ClinVar aggregate classification (germline): Benign (1 of 4 stars; one submission).

Conditions:
Corneal dystrophy. Identifiers: Orphanet 34533, MedGen C0010036, MONDO:0018102, HP:0001131.

Allele frequency attached by ClinVar (database versions not stated): gnomAD exomes 0.00432; gnomAD 0.01047 and 0.01111; TOPMed 0.01238; 1000 Genomes Project 30x 0.02748; 1000 Genomes Project 0.02756.
gnomAD v4.1: 1,708 of 161,004 alleles (1.1%); highest among the groups gnomAD compares: East Asian, 8%; 38 homozygotes.

Submission:

Illumina Laboratory Services, Illumina
Classification: Benign for Corneal dystrophy. Last evaluated: 2018-01-13. Review status: criteria provided, single submitter. Criteria: ICSL Variant Classification Criteria 13 December 2019. Collection method: clinical testing. Allele origin: germline.
Comment: This variant was observed in the ICSL laboratory as part of a predisposition screen in an ostensibly healthy population. It had not been previously curated by ICSL or reported in the Human Gene Mutation Database (HGMD: prior to June 1st, 2018), and was therefore a candidate for classification through an automated scoring system. Utilizing variant allele frequency, disease prevalence and penetrance estimates, and inheritance mode, an automated score was calculated to assess if this variant is too frequent to cause the disease. Based on the score and internal cut-off values, a variant classified as benign is not then subjected to further curation. The score for this variant resulted in a classification of benign for this disease.

NM_000358.3(TGFBI):c.*458G>A

Gene: TGFBI (transforming growth factor beta induced; plus strand). Cytogenetic location: 5q31.1.
Variant type: single nucleotide variant.
Coding change: c.*458G>A on transcript NM_000358.3 (MANE Select); 458 bases downstream of the stop codon, G replaced by A.
Molecular consequence: 3 prime UTR variant.
Genome position (GRCh38, 1-based): chr5:136,063,684, G>A. VCF-style: chr5-136063684-G-A. GRCh37 (hg19) VCF-style: chr5-135399373-G-A.
Identifiers: ClinVar variation 350900 (VCV000350900.5), dbSNP rs7854, ClinGen allele CA10622600.